The following is an entry in ClinVar:

NM_014927.5(CNKSR2):c.2392_2396delinsCCAGAGCA (p.Ala798_Ala799delinsProGluHis)

Gene: CNKSR2 (connector enhancer of kinase suppressor of Ras 2; plus strand). Cytogenetic location: Xp22.12.
Variant type: Indel.
Coding change: c.2392_2396delinsCCAGAGCA on transcript NM_014927.5 (MANE Select); coding-DNA positions 2392 to 2396, GCGGC replaced by CCAGAGCA.
Protein change: p.Ala798_Ala799delinsProGluHis.
Molecular consequence: inframe indel.
Genome position (GRCh38, 1-based): chrX:21,609,317-21,609,321, GCGGC replaced by CCAGAGCA. VCF-style: chrX-21609317-GCGGC-CCAGAGCA. GRCh37 (hg19) VCF-style: chrX-21627435-GCGGC-CCAGAGCA.
Other names: c.2245_2249delinsCCAGAGCA, p.Ala749_Ala750delinsProGluHis (NM_001168649.3, NM_001330770.2); c.2155_2159delinsCCAGAGCA, p.Ala719_Ala720delinsProGluHis (NM_001330771.2, NM_001330772.2); c.2302_2306delinsCCAGAGCA, p.Ala768_Ala769delinsProGluHis (NM_001330773.2, NM_001168647.3); c.2392_2396delinsCCAGAGCA, p.Ala798_Ala799delinsProGluHis (NM_001168648.3).
Identifiers: ClinVar variation 2660147 (VCV002660147.24), dbSNP rs2519359511, ClinGen allele CA2695200163.

ClinVar aggregate classification (germline): Uncertain significance (1 of 4 stars; one submission).

Submission:

CeGaT Center for Human Genetics Tuebingen
Classification: Uncertain significance. Last evaluated: 2023-10-01. Review status: criteria provided, single submitter. Criteria: CeGaT Center For Human Genetics Tuebingen Variant Classification Criteria Version 2. Collection method: clinical testing. Allele origin: germline. Affected: yes. Observed: 1 variant allele.
Comment: CNKSR2: PM2, PM4